The following is an entry in ClinVar:

NM_018062.4(FANCL):c.62C>A (p.Ser21Ter)

Gene: FANCL (FA complementation group L; minus strand). Cytogenetic location: 2p16.1.
Variant type: single nucleotide variant.
Coding change: c.62C>A on transcript NM_018062.4 (MANE Select); coding-DNA position 62, C replaced by A.
Protein change: p.Ser21Ter; replaces serine 21 with a stop codon.
Molecular consequence: nonsense.
Genome position (GRCh38, 1-based): chr2:58,241,252, G>T on the plus strand (C>A on the coding strand, the complement: FANCL is on the minus strand). VCF-style: chr2-58241252-G-T. GRCh37 (hg19) VCF-style: chr2-58468387-G-T.
Other names: c.62C>A, p.Ser21Ter (NM_001114636.2, NM_001374615.1, NM_001410792.1); short protein forms S21*.
Identifiers: ClinVar variation 2883740 (VCV002883740.3), dbSNP rs542395849, ClinGen allele CA347035115.
Genomic context (GRCh38, chr2:58,241,252, plus strand): 5'-CTAGAAAGCAACCACTGGGCGGGTACCTGAGCCGAGATGAATCCCTCATACACGGTTTTC[G>T]ACCGGTTCTGGGGCAGAAGCAGGGGGCACTGGCGCAACAGGCTCGCTTCCGTCACCGCCA-3'

ClinVar aggregate classification (germline): Pathogenic (1 of 4 stars; one submission).

Conditions:
Fanconi anemia (FA). Also called: Fanconi's anemia. Identifiers: Orphanet 84, MedGen C0015625, MeSH D005199, MONDO:0019391.

Submission:

Labcorp Genetics (formerly Invitae), Labcorp
Classification: Pathogenic for Fanconi anemia. Last evaluated: 2023-06-02. Review status: criteria provided, single submitter. Criteria: Invitae Variant Classification Sherloc (09022015). Collection method: clinical testing. Allele origin: germline.
Comment: For these reasons, this variant has been classified as Pathogenic. This variant has not been reported in the literature in individuals affected with FANCL-related conditions. This variant is not present in population databases (gnomAD no frequency). This sequence change creates a premature translational stop signal (p.Ser21*) in the FANCL gene. It is expected to result in an absent or disrupted protein product. Loss-of-function variants in FANCL are known to be pathogenic (PMID: 19405097, 23613520).

Literature cited by the submitters: PubMed 19405097; PubMed 23613520.